The following is an entry in ClinVar:

ClinVar aggregate classification (germline): Uncertain significance. Review status: criteria provided, multiple submitters, no conflicts (2 of 4 stars). 4 submissions from 4 submitters: Uncertain significance (4). Last evaluated 2025-09-27.

Conditions:
Hereditary cancer-predisposing syndrome. Also called: Tumor predisposition; Neoplastic Syndromes, Hereditary; Hereditary neoplastic syndrome; Hereditary Cancer Syndrome. Identifiers: Orphanet 140162, MedGen C0027672, MeSH D009386, MONDO:0015356.
Cardiovascular phenotype. Identifiers: MedGen CN230736.

Allele frequency attached by ClinVar (database versions not stated): gnomAD exomes below 0.00001; TOPMed below 0.00001.
gnomAD v4.1: 6 of 1,614,174 alleles (0.00037%); highest among the groups gnomAD compares: Non-Finnish European, 0.00051%; no homozygotes.

Submissions (4):

Labcorp Genetics (formerly Invitae), Labcorp
Classification: Uncertain significance. Last evaluated: 2025-09-27. Review status: criteria provided, single submitter. Criteria: Invitae Variant Classification Sherloc (09022015). Collection method: clinical testing. Allele origin: germline.
Comment: This sequence change replaces proline, which is neutral and non-polar, with leucine, which is neutral and non-polar, at codon 117 of the LZTR1 protein (p.Pro117Leu). This variant is not present in population databases (gnomAD no frequency). This variant has not been reported in the literature in individuals affected with LZTR1-related conditions. ClinVar contains an entry for this variant (Variation ID: 1732144). Invitae Evidence Modeling of protein sequence and biophysical properties (such as structural, functional, and spatial information, amino acid conservation, physicochemical variation, residue mobility, and thermodynamic stability) indicates that this missense variant is not expected to disrupt LZTR1 protein function with a negative predictive value of 80%. In summary, the available evidence is currently insufficient to determine the role of this variant in disease. Therefore, it has been classified as a Variant of Uncertain Significance.

Mayo Clinic Laboratories, Mayo Clinic
Classification: Uncertain significance. Last evaluated: 2025-05-08. Review status: criteria provided, single submitter. Criteria: ACMG Guidelines, 2015. Collection method: clinical testing. Allele origin: germline. Observed: 1 variant allele.
Comment: PM2_supporting

Ambry Genetics
Classification: Uncertain significance for Cardiovascular phenotype; Hereditary cancer-predisposing syndrome. Last evaluated: 2025-03-24. Review status: criteria provided, single submitter. Criteria: Ambry Variant Classification Scheme 2023. Collection method: clinical testing. Allele origin: germline.
Comment: The p.P117L variant (also known as c.350C>T), located in coding exon 4 of the LZTR1 gene, results from a C to T substitution at nucleotide position 350. The proline at codon 117 is replaced by leucine, an amino acid with similar properties. This amino acid position is conserved. In addition, this alteration is predicted to be deleterious by in silico analysis. Since supporting evidence is limited at this time, the clinical significance of this alteration remains unclear.

Blueprint Genetics
Classification: Uncertain significance. Last evaluated: 2022-02-15. Review status: criteria provided, single submitter. Criteria: ACMG Guidelines, 2015. Collection method: clinical testing. Allele origin: germline.

NM_006767.4(LZTR1):c.350C>T (p.Pro117Leu)

Gene: LZTR1 (leucine zipper like post translational regulator 1; plus strand). Cytogenetic location: 22q11.21.
Variant type: single nucleotide variant.
Coding change: c.350C>T on transcript NM_006767.4 (MANE Select); coding-DNA position 350, C replaced by T.
Protein change: p.Pro117Leu; replaces proline 117 with leucine.
Molecular consequence: missense variant.
Genome position (GRCh38, 1-based): chr22:20,987,533, C>T. VCF-style: chr22-20987533-C-T. GRCh37 (hg19) VCF-style: chr22-21341822-C-T.
Other names: p.Pro117Leu; short protein forms P117L.
Identifiers: ClinVar variation 1732144 (VCV001732144.10), dbSNP rs752076438, ClinGen allele CA322322763.